The following is an entry in ClinVar:

ClinVar aggregate classification (germline): Uncertain significance (1 of 4 stars; one submission).

Conditions:
CACNA1I-related disorder. Also called: CACNA1I-related condition.

gnomAD v4.1: 1 of 1,613,452 alleles (0.000062%); highest among the groups gnomAD compares: Admixed American, 0.0017%; no homozygotes.

Submission:

PreventionGenetics, part of Exact Sciences
Classification: Uncertain significance for CACNA1I-related condition. Last evaluated: 2025-07-15. Review status: criteria provided, single submitter. Criteria: ACMG Guidelines, 2015. Collection method: clinical testing. Allele origin: germline.
Comment: The CACNA1I c.2720C>T variant is predicted to result in the amino acid substitution p.Pro907Leu. To our knowledge, this variant has not been reported in the literature or in a large population database (gnomAD), indicating this variant is rare. At this time, the clinical significance of this variant is uncertain due to the absence of conclusive functional and genetic evidence.

NM_021096.4(CACNA1I):c.2720C>T (p.Pro907Leu)

Gene: CACNA1I (calcium voltage-gated channel subunit alpha1 I; plus strand). Cytogenetic location: 22q13.1.
Variant type: single nucleotide variant.
Coding change: c.2720C>T on transcript NM_021096.4 (MANE Select); coding-DNA position 2720, C replaced by T.
Protein change: p.Pro907Leu; replaces proline 907 with leucine.
Molecular consequence: missense variant.
Genome position (GRCh38, 1-based): chr22:39,661,129, C>T. VCF-style: chr22-39661129-C-T. GRCh37 (hg19) VCF-style: chr22-40057134-C-T.
Other names: c.2615C>T, p.Pro872Leu (NM_001003406.2); short protein forms P907L, P872L.
Identifiers: ClinVar variation 4999037 (VCV004999037.1).